The following is an entry in ClinVar:

ClinVar aggregate classification (germline): Uncertain significance (1 of 4 stars; one submission).

Conditions:
Epidermolysis bullosa simplex 3, localized or generalized intermediate, with BP230 deficiency (EBS3). Also called: Epidermolysis bullosa simplex, autosomal recessive 2; Epidermolysis bullosa simplex due to BP230 deficiency. Identifiers: Orphanet 412181, MedGen C3809470, MONDO:0014180, OMIM 615425.
Hereditary sensory and autonomic neuropathy type 6. Also called: HSAN VI; Neuropathy, hereditary sensory and autonomic, type VI. Identifiers: Orphanet 314381, MedGen C3539003, MONDO:0013839, OMIM 614653.

Allele frequency attached by ClinVar (database versions not stated): gnomAD exomes 0.00001; TOPMed 0.00001; ExAC 0.00002; gnomAD 0.00002.
gnomAD v4.1: 15 of 1,613,972 alleles (0.00093%); highest among the groups gnomAD compares: African/African-American, 0.0053%; no homozygotes.

Submission:

Labcorp Genetics (formerly Invitae), Labcorp
Classification: Uncertain significance for Epidermolysis bullosa simplex 3, localized or generalized intermediate, with BP230 deficiency; Hereditary sensory and autonomic neuropathy type 6. Last evaluated: 2021-08-09. Review status: criteria provided, single submitter. Criteria: Invitae Variant Classification Sherloc (09022015). Collection method: clinical testing. Allele origin: germline.
Comment: This sequence change replaces arginine with tryptophan at codon 1928 of the DST protein (p.Arg1928Trp). The arginine residue is weakly conserved and there is a moderate physicochemical difference between arginine and tryptophan. This variant is present in population databases (rs773099840, ExAC 0.003%). This variant has not been reported in the literature in individuals affected with DST-related conditions. Algorithms developed to predict the effect of missense changes on protein structure and function are either unavailable or do not agree on the potential impact of this missense change (SIFT: "Deleterious"; PolyPhen-2: "Benign"; Align-GVGD: "Class C0"). In summary, the available evidence is currently insufficient to determine the role of this variant in disease. Therefore, it has been classified as a Variant of Uncertain Significance.

NM_001723.7(DST):c.5782C>T (p.Arg1928Trp)

Gene: DST (dystonin; minus strand). Cytogenetic location: 6p12.1.
Variant type: single nucleotide variant.
Coding change: c.5782C>T on transcript NM_001723.7 (MANE Plus Clinical); coding-DNA position 5782, C replaced by T.
Protein change: p.Arg1928Trp; replaces arginine 1928 with tryptophan.
Molecular consequence: missense variant. On other transcripts: intron variant (10).
Genome position (GRCh38, 1-based): chr6:56,618,252, G>A on the plus strand (C>T on the coding strand, the complement: DST is on the minus strand). VCF-style: chr6-56618252-G-A. GRCh37 (hg19) VCF-style: chr6-56483050-G-A.
Other names: c.4831-3768C>T (NM_001144769.5); c.4930-3768C>T (NM_001374722.1, NM_001374736.1); c.4957-3768C>T (NM_001374734.1); c.4417-3768C>T (NM_001144770.2); c.4297-3768C>T (NM_001374730.1, NM_001386100.1, NM_183380.4 and 1 more transcripts); c.3319-3768C>T (NM_015548.5); short protein forms R1928W.
Identifiers: ClinVar variation 1404917 (VCV001404917.4), dbSNP rs773099840, ClinGen allele CA3870307.
Genomic context (GRCh38, chr6:56,618,252, plus strand): 5'-TCTCGAGTGGAGCCCCTGGTGGCTGGAATTGGACTTCTTTGGGTATCTGTTCAACAACCC[G>A]ATGCTGCCACTTCTCTTCCAATGGCTGTGGTTCTTGAGTCCATCTCAACAGAGGGGATCT-3'
Protein context (NP_001714.1, residues 1918-1938): PQPLEEKWQH[Arg1928Trp]VVEQIPKEVQ